The following is an entry in ClinVar:

ClinVar aggregate classification (germline): Uncertain significance. Review status: criteria provided, multiple submitters, no conflicts (2 of 4 stars). 2 submissions from 2 submitters: Uncertain significance (2). Last evaluated 2025-10-04.

Conditions:
Hypertrophic cardiomyopathy. Also called: HYPERTROPHIC MYOCARDIOPATHY. Identifiers: Orphanet 217569, MedGen C0007194, MeSH D002312, MONDO:0005045, HP:0001639.

Submissions (2):

Labcorp Genetics (formerly Invitae), Labcorp
Classification: Uncertain significance for Hypertrophic cardiomyopathy. Last evaluated: 2025-10-04. Review status: criteria provided, single submitter. Criteria: Invitae Variant Classification Sherloc (09022015). Collection method: clinical testing. Allele origin: germline.
Comment: This sequence change replaces glutamine, which is neutral and polar, with arginine, which is basic and polar, at codon 791 of the MYBPC3 protein (p.Gln791Arg). This variant is not present in population databases (gnomAD no frequency). This variant has not been reported in the literature in individuals affected with MYBPC3-related conditions. ClinVar contains an entry for this variant (Variation ID: 3075381). An algorithm developed to predict the effect of missense changes on protein structure and function outputs the following: PolyPhen-2: "Benign". The arginine amino acid residue is found in multiple mammalian species, which suggests that this missense change does not adversely affect protein function. In summary, the available evidence is currently insufficient to determine the role of this variant in disease. Therefore, it has been classified as a Variant of Uncertain Significance.

All of Us Research Program, National Institutes of Health
Classification: Uncertain significance for Hypertrophic cardiomyopathy. Last evaluated: 2024-01-11. Review status: criteria provided, single submitter. Criteria: ACMG Guidelines, 2015. Collection method: clinical testing. Allele origin: germline. Inheritance: Autosomal dominant inheritance. Observed: 1 variant allele, 1 heterozygote.
Comment: This study involves interpretation of variants in research participants for the purpose of population health screening. Participant phenotype was not available at the time of variant classification. Additional details can be found in publication PMID: 35346344, PMCID: PMC8962531

NM_000256.3(MYBPC3):c.2372A>G (p.Gln791Arg)

Gene: MYBPC3 (myosin binding protein C3; minus strand). Cytogenetic location: 11p11.2.
Variant type: single nucleotide variant.
Coding change: c.2372A>G on transcript NM_000256.3 (MANE Select); coding-DNA position 2372, A replaced by G.
Protein change: p.Gln791Arg; replaces glutamine 791 with arginine.
Molecular consequence: missense variant.
Genome position (GRCh38, 1-based): chr11:47,337,731, T>C on the plus strand (A>G on the coding strand, the complement: MYBPC3 is on the minus strand). VCF-style: chr11-47337731-T-C. GRCh37 (hg19) VCF-style: chr11-47359282-T-C.
Other names: short protein forms Q791R.
Identifiers: ClinVar variation 3075381 (VCV003075381.2), dbSNP rs757934210, ClinGen allele CA078668.